The following is an entry in ClinVar:

NM_015374.3(SUN2):c.2039A>G (p.Gln680Arg)

Genes: GTPBP1 (GTP binding protein 1; plus strand), SUN2 (Sad1 and UNC84 domain containing 2; minus strand). Cytogenetic location: 22q13.1.
Variant type: single nucleotide variant.
Coding change: c.2039A>G on transcript NM_015374.3 (MANE Select); coding-DNA position 2039, A replaced by G.
Protein change: p.Gln680Arg; replaces glutamine 680 with arginine.
Molecular consequence: missense variant.
Genome position (GRCh38, 1-based): chr22:38,738,174, T>C on the plus strand (A>G on the coding strand, the complement: SUN2 is on the minus strand). VCF-style: chr22-38738174-T-C. GRCh37 (hg19) VCF-style: chr22-39134179-T-C.
Other names: c.2102A>G, p.Gln701Arg (NM_001199579.2); c.2039A>G, p.Gln680Arg (NM_001199580.2); short protein forms Q680R, Q701R.
Identifiers: ClinVar variation 846154 (VCV000846154.9), dbSNP rs1486287848, ClinGen allele CA411582971.

ClinVar aggregate classification (germline): Uncertain significance (1 of 4 stars; one submission).

Conditions:
Emery-Dreifuss muscular dystrophy (EDMD). Also called: Scapuloperoneal syndrome, X-linked (formerly); Humeroperoneal neuromuscular disease, (formerly). Identifiers: Orphanet 261, MedGen C0410189, MONDO:0016830.

Allele frequency attached by ClinVar (database versions not stated): TOPMed below 0.00001; gnomAD 0.00001.
gnomAD v4.1: 2 of 1,613,714 alleles (0.00012%); highest among the groups gnomAD compares: African/African-American, 0.0027%; no homozygotes.

Submission:

Labcorp Genetics (formerly Invitae), Labcorp
Classification: Uncertain significance for Emery-Dreifuss muscular dystrophy. Last evaluated: 2022-08-16. Review status: criteria provided, single submitter. Criteria: Invitae Variant Classification Sherloc (09022015). Collection method: clinical testing. Allele origin: germline.
Comment: In summary, the available evidence is currently insufficient to determine the role of this variant in disease. Therefore, it has been classified as a Variant of Uncertain Significance. Algorithms developed to predict the effect of sequence changes on RNA splicing suggest that this variant may create or strengthen a splice site. Algorithms developed to predict the effect of missense changes on protein structure and function (SIFT, PolyPhen-2, Align-GVGD) all suggest that this variant is likely to be tolerated. ClinVar contains an entry for this variant (Variation ID: 846154). This variant has not been reported in the literature in individuals affected with SUN2-related conditions. This variant is present in population databases (no rsID available, gnomAD 0.01%). This sequence change replaces glutamine, which is neutral and polar, with arginine, which is basic and polar, at codon 680 of the SUN2 protein (p.Gln680Arg).